The following is an entry in ClinVar:

NM_004655.4(AXIN2):c.451C>A (p.Pro151Thr)

Gene: AXIN2 (axin 2; minus strand). Cytogenetic location: 17q24.1.
Variant type: single nucleotide variant.
Coding change: c.451C>A on transcript NM_004655.4 (MANE Select); coding-DNA position 451, C replaced by A.
Protein change: p.Pro151Thr; replaces proline 151 with threonine.
Molecular consequence: missense variant.
Genome position (GRCh38, 1-based): chr17:65,558,170, G>T on the plus strand (C>A on the coding strand, the complement: AXIN2 is on the minus strand). VCF-style: chr17-65558170-G-T. GRCh37 (hg19) VCF-style: chr17-63554288-G-T.
Other names: c.451C>A (NM_004655.3); c.451C>A, p.Pro151Thr (NM_001363813.1); short protein forms P151T.
Identifiers: ClinVar variation 1512770 (VCV001512770.9), dbSNP rs2144585741, ClinGen allele CA400681350.

ClinVar aggregate classification (germline): Uncertain significance. Review status: criteria provided, multiple submitters, no conflicts (2 of 4 stars). 2 submissions from 2 submitters: Uncertain significance (2). Last evaluated 2025-08-01.

Conditions:
Hereditary cancer-predisposing syndrome. Also called: Tumor predisposition; Neoplastic Syndromes, Hereditary; Hereditary neoplastic syndrome; Hereditary Cancer Syndrome. Identifiers: Orphanet 140162, MedGen C0027672, MeSH D009386, MONDO:0015356.
Oligodontia-cancer predisposition syndrome. Also called: TOOTH AGENESIS-COLORECTAL CANCER SYNDROME. Identifiers: Orphanet 300576, MedGen C1837750, MONDO:0012075, OMIM 608615. Disease mechanism: loss of function.

gnomAD v4.1: 2 of 1,612,326 alleles (0.00012%); highest among the groups gnomAD compares: Non-Finnish European, 0.00017%; no homozygotes.

Submissions (2):

Ambry Genetics
Classification: Uncertain significance for Hereditary cancer-predisposing syndrome. Last evaluated: 2025-08-01. Review status: criteria provided, single submitter. Criteria: Ambry Variant Classification Scheme 2023. Collection method: clinical testing. Allele origin: germline.
Comment: The p.P151T variant (also known as c.451C>A), located in coding exon 1 of the AXIN2 gene, results from a C to A substitution at nucleotide position 451. The proline at codon 151 is replaced by threonine, an amino acid with highly similar properties. This amino acid position is conserved. In addition, the in silico prediction for this alteration is inconclusive. Based on the available evidence, the clinical significance of this variant remains unclear.

Labcorp Genetics (formerly Invitae), Labcorp
Classification: Uncertain significance for Oligodontia-cancer predisposition syndrome. Last evaluated: 2024-04-05. Review status: criteria provided, single submitter. Criteria: Invitae Variant Classification Sherloc (09022015). Collection method: clinical testing. Allele origin: germline.
Comment: This sequence change replaces proline, which is neutral and non-polar, with threonine, which is neutral and polar, at codon 151 of the AXIN2 protein (p.Pro151Thr). This variant is not present in population databases (gnomAD no frequency). This variant has not been reported in the literature in individuals affected with AXIN2-related conditions. ClinVar contains an entry for this variant (Variation ID: 1512770). Advanced modeling of protein sequence and biophysical properties (such as structural, functional, and spatial information, amino acid conservation, physicochemical variation, residue mobility, and thermodynamic stability) performed at Invitae indicates that this missense variant is expected to disrupt AXIN2 protein function with a positive predictive value of 80%. In summary, the available evidence is currently insufficient to determine the role of this variant in disease. Therefore, it has been classified as a Variant of Uncertain Significance.